The following is an entry in ClinVar:

NM_018417.6(ADCY10):c.3750+8A>T

Gene: ADCY10 (adenylate cyclase 10; minus strand). Cytogenetic location: 1q24.2.
Variant type: single nucleotide variant.
Coding change: c.3750+8A>T on transcript NM_018417.6 (MANE Select); 8 bases into the intron after coding-DNA position 3750, A replaced by T.
Molecular consequence: intron variant.
Genome position (GRCh38, 1-based): chr1:167,829,259, T>A on the plus strand (A>T on the coding strand, the complement: ADCY10 is on the minus strand). VCF-style: chr1-167829259-T-A. GRCh37 (hg19) VCF-style: chr1-167798497-T-A.
Other names: p.?; c.3291+8A>T (NM_001167749.3); c.3474+8A>T (NM_001297772.2).
Identifiers: ClinVar variation 789259 (VCV000789259.18), dbSNP rs188567784, ClinGen allele CA1227264.

ClinVar aggregate classification (germline): Benign/Likely benign. Review status: criteria provided, multiple submitters, no conflicts (2 of 4 stars). 4 submissions from 4 submitters: Benign (3); Likely benign (1). Last evaluated 2026-01-05.

Conditions:
ADCY10-related disorder. Also called: ADCY10-related condition.

Allele frequency attached by ClinVar (database versions not stated): 1000 Genomes Project 30x 0.00187; 1000 Genomes Project 0.00200; gnomAD exomes 0.00569 and 0.00755; ExAC 0.00584; gnomAD 0.00592 and 0.00648; TOPMed 0.00626; ESP Exome Variant Server 0.00646.
gnomAD v4.1: 11,962 of 1,613,866 alleles (0.74%); highest among the groups gnomAD compares: Non-Finnish European, 0.89%; 64 homozygotes.

Submissions (4):

Labcorp Genetics (formerly Invitae), Labcorp
Classification: Benign. Last evaluated: 2026-01-05. Review status: criteria provided, single submitter. Criteria: Invitae Variant Classification Sherloc (09022015). Collection method: clinical testing. Allele origin: germline.

CeGaT Center for Human Genetics Tuebingen
Classification: Likely benign. Last evaluated: 2025-10-01. Review status: criteria provided, single submitter. Criteria: CeGaT Center For Human Genetics Tuebingen Variant Classification Criteria Version 2. Collection method: clinical testing. Allele origin: germline. Affected: yes. Observed: 1 variant allele.
Comment: ADCY10: BP4, BS2

Mayo Clinic Laboratories, Mayo Clinic
Classification: Benign. Last evaluated: 2025-08-18. Review status: criteria provided, single submitter. Criteria: ACMG Guidelines, 2015. Collection method: clinical testing. Allele origin: germline. Observed: 3 variant alleles.
Comment: BS1, BS2, BP4, BP7

PreventionGenetics, part of Exact Sciences
Classification: Benign for ADCY10-related condition. Last evaluated: 2025-03-17. Review status: criteria provided, single submitter. Criteria: ACMG Guidelines, 2015. Collection method: clinical testing. Allele origin: germline.
Comment: This variant is classified as benign based on ACMG/AMP sequence variant interpretation guidelines (Richards et al. 2015 PMID: 25741868, with internal and published modifications).